The following is an entry in ClinVar:

NM_000718.4(CACNA1B):c.2122G>A (p.Ala708Thr)

Gene: CACNA1B (calcium voltage-gated channel subunit alpha1 B; plus strand). Cytogenetic location: 9q34.3.
Variant type: single nucleotide variant.
Coding change: c.2122G>A on transcript NM_000718.4 (MANE Select); coding-DNA position 2122, G replaced by A.
Protein change: p.Ala708Thr; replaces alanine 708 with threonine.
Molecular consequence: missense variant.
Genome position (GRCh38, 1-based): chr9:138,010,039, G>A. VCF-style: chr9-138010039-G-A. GRCh37 (hg19) VCF-style: chr9-140904491-G-A.
Other names: c.2122G>A, p.Ala708Thr (NM_001243812.2); short protein forms A708T.
Identifiers: ClinVar variation 1949266 (VCV001949266.5), dbSNP rs2539345140, ClinGen allele CA375808679.
Genomic context (GRCh38, chr9:138,010,039, plus strand): 5'-GAGGTTCCCTTCCTCAGCTGGACCCAACCAGACACTCTGCTGAATGTCTTTCTGGCCATC[G>A]CTGTGGACAACCTGGCCAACGCCCAAGAGCTGACCAAGGTAGGTGGCGACAGGGAGGGAC-3'
Protein context (NP_000709.1, residues 698-718): YTLLNVFLAI[Ala708Thr]VDNLANAQEL

ClinVar aggregate classification (germline): Uncertain significance (1 of 4 stars; one submission).

Submission:

Labcorp Genetics (formerly Invitae), Labcorp
Classification: Uncertain significance. Last evaluated: 2022-09-07. Review status: criteria provided, single submitter. Criteria: Invitae Variant Classification Sherloc (09022015). Collection method: clinical testing. Allele origin: germline.
Comment: This sequence change replaces alanine, which is neutral and non-polar, with threonine, which is neutral and polar, at codon 708 of the CACNA1B protein (p.Ala708Thr). This variant is not present in population databases (gnomAD no frequency). This variant has not been reported in the literature in individuals affected with CACNA1B-related conditions. Advanced modeling of protein sequence and biophysical properties (such as structural, functional, and spatial information, amino acid conservation, physicochemical variation, residue mobility, and thermodynamic stability) performed at Invitae indicates that this missense variant is expected to disrupt CACNA1B protein function. In summary, the available evidence is currently insufficient to determine the role of this variant in disease. Therefore, it has been classified as a Variant of Uncertain Significance.